The following is an entry in ClinVar:

ClinVar aggregate classification (germline): Likely pathogenic (1 of 4 stars; one submission).

Conditions:
Glycogen storage disease, type V (GSD5). Also called: McArdle type glycogen storage disease; MCARDLE DISEASE; MUSCLE GLYCOGEN PHOSPHORYLASE DEFICIENCY; MYOPHOSPHORYLASE DEFICIENCY; PYGM DEFICIENCY. Identifiers: Orphanet 368, MedGen C0017924, MONDO:0009293, OMIM 232600.

Submission:

Labcorp Genetics (formerly Invitae), Labcorp
Classification: Likely pathogenic for Glycogen storage disease, type V. Last evaluated: 2022-04-13. Review status: criteria provided, single submitter. Criteria: Invitae Variant Classification Sherloc (09022015). Collection method: clinical testing. Allele origin: germline.
Comment: In summary, the currently available evidence indicates that the variant is pathogenic, but additional data are needed to prove that conclusively. Therefore, this variant has been classified as Likely Pathogenic. Variants that disrupt the consensus splice site are a relatively common cause of aberrant splicing (PMID: 17576681, 9536098). Algorithms developed to predict the effect of sequence changes on RNA splicing suggest that this variant may disrupt the consensus splice site. Disruption of this splice site has been observed in individual(s) with McArdle disease (PMID: 16786513, 29143597, 30415384). This variant is not present in population databases (gnomAD no frequency). This sequence change affects an acceptor splice site in intron 19 of the PYGM gene. While this variant is not anticipated to result in nonsense mediated decay, it likely alters RNA splicing and results in a disrupted protein product.

Literature cited by the submitters: PubMed 17576681; PubMed 9536098; PubMed 16786513; PubMed 29143597; PubMed 30415384.

NM_005609.4(PYGM):c.2380-2A>G

Gene: PYGM (glycogen phosphorylase, muscle associated; minus strand). Cytogenetic location: 11q13.1.
Variant type: single nucleotide variant.
Coding change: c.2380-2A>G on transcript NM_005609.4 (MANE Select); the canonical splice acceptor site of the intron before coding-DNA position 2380, A replaced by G.
Molecular consequence: splice acceptor variant.
Genome position (GRCh38, 1-based): chr11:64,746,810, T>C on the plus strand (A>G on the coding strand, the complement: PYGM is on the minus strand). VCF-style: chr11-64746810-T-C. GRCh37 (hg19) VCF-style: chr11-64514282-T-C.
Other names: c.2116-2A>G (NM_001164716.1).
Identifiers: ClinVar variation 2125854 (VCV002125854.4), dbSNP rs2496636643, ClinGen allele CA381164038.